The following is an entry in ClinVar:

GRCh37/hg19 11q14.3(chr11:88960991-88961138)x160

Gene: TYR (tyrosinase; plus strand). Cytogenetic location: 11q14.3.
Variant type: copy number loss.
Change: copy number 160 of chr11:88,960,991-88,961,138 (0.1 kb, GRCh37 coordinates, 1-based), cytogenetic band 11q14.3.
Identifiers: ClinVar variation 992661 (VCV000992661.5).

ClinVar aggregate classification (germline): Pathogenic (0 of 4 stars; one submission).

Conditions:
Oculocutaneous albinism type 1B (OCA1B). Also called: YELLOW ALBINISM; ALBINISM, OCULOCUTANEOUS, TYPE IB; ALBINISM, YELLOW MUTANT TYPE. Identifiers: Orphanet 352731, Orphanet 352737, Orphanet 79434, MedGen C1847024, MONDO:0011749, OMIM 606952.

Submission:

Dept. of Cytogenetics, ICMR- National Institute of Immunohaematology
Classification: Pathogenic for Oculocutaneous albinism type 1B. Last evaluated: 2020-12-02. Review status: no assertion criteria provided. Collection method: research, clinical testing. Allele origin: germline, somatic, not applicable. Inheritance: Autosomal recessive inheritance. Affected: yes. Observed: 3 variant alleles, 3 homozygotes. Clinical features observed: Autosomal recessive inheritance (HP:0000007), Photophobia (HP:0000613), Hypopigmentation of the skin (HP:0001010), Albinism (HP:0001022), Hypopigmentation of hair (HP:0005599).
Comment: Novel Exon 3 deletion was observed in a Muslim family migrated from Uttar Pradesh state to Raigad district of Maharashtra state in India. The deletion was found on NGS and was confirmed through MLPA and Sanger Sequencing. The exact intronic breakpoint however could not be identified. Both the exon 2 and exon 4 can be identified without any variation. Dan luo et. al 2019; reported pathogenic deletion of exon 2-3, Schnur (1995) reported pathogenic to large deletions with multiple exons in OCA1. Intellectual disability was seen in males only and thus was not variant-specific.